The following is an entry in ClinVar:

NM_002474.3(MYH11):c.5355T>G (p.Ser1785Arg)

Genes: NDE1 (nudE neurodevelopment protein 1; plus strand), MYH11 (myosin heavy chain 11; minus strand). Cytogenetic location: 16p13.11.
Variant type: single nucleotide variant.
Coding change: c.5355T>G on transcript NM_002474.3 (MANE Select); coding-DNA position 5355, T replaced by G.
Protein change: p.Ser1785Arg; replaces serine 1785 with arginine.
Molecular consequence: missense variant. On other transcripts: intron variant (2).
Genome position (GRCh38, 1-based): chr16:15,717,289, A>C on the plus strand (T>G on the coding strand, the complement: MYH11 is on the minus strand). VCF-style: chr16-15717289-A-C. GRCh37 (hg19) VCF-style: chr16-15811146-A-C.
Other names: c.5376T>G, p.Ser1792Arg (NM_001040113.2, NM_001040114.2); c.5355T>G, p.Ser1785Arg (NM_022844.3); c.948-6902A>C (NM_001143979.2, NM_017668.3); short protein forms S1785R, S1792R.
Identifiers: ClinVar variation 3664437 (VCV003664437.2).

ClinVar aggregate classification (germline): Uncertain significance (1 of 4 stars; one submission).

Conditions:
Aortic aneurysm, familial thoracic 4 (AAT4). Also called: AORTIC ANEURYSM/AORTIC DISSECTION AND PATENT DUCTUS ARTERIOSUS. Identifiers: MedGen C1851504, MONDO:0007568, OMIM 132900.

Submission:

Labcorp Genetics (formerly Invitae), Labcorp
Classification: Uncertain significance for Aortic aneurysm, familial thoracic 4. Last evaluated: 2024-09-03. Review status: criteria provided, single submitter. Criteria: Invitae Variant Classification Sherloc (09022015). Collection method: clinical testing. Allele origin: germline.
Comment: This sequence change replaces serine, which is neutral and polar, with arginine, which is basic and polar, at codon 1792 of the MYH11 protein (p.Ser1792Arg). This variant is not present in population databases (gnomAD no frequency). This variant has not been reported in the literature in individuals affected with MYH11-related conditions. Invitae Evidence Modeling of protein sequence and biophysical properties (such as structural, functional, and spatial information, amino acid conservation, physicochemical variation, residue mobility, and thermodynamic stability) indicates that this missense variant is not expected to disrupt MYH11 protein function with a negative predictive value of 95%. In summary, the available evidence is currently insufficient to determine the role of this variant in disease. Therefore, it has been classified as a Variant of Uncertain Significance.